The following is an entry in ClinVar:

ClinVar aggregate classification (germline): Likely benign. Review status: criteria provided, multiple submitters, no conflicts (2 of 4 stars). 3 submissions from 3 submitters: Likely benign (3). Last evaluated 2025-01-03.

Conditions:
COL6A2-related disorder.
Bethlem myopathy 1A. Also called: MYOPATHY, BENIGN CONGENITAL, WITH CONTRACTURES; Bethlem myopathy 1; Bethlem Muscular Dystrophy. Identifiers: Orphanet 610, MedGen CN029274, MONDO:0024530, OMIM 158810.

Allele frequency attached by ClinVar (database versions not stated): gnomAD exomes 0.00002 and 0.00004; TOPMed 0.00002; ExAC 0.00006; gnomAD 0.00006.
gnomAD v4.1: 36 of 1,603,448 alleles (0.0022%); highest among the groups gnomAD compares: African/African-American, 0.015%; no homozygotes.

Submissions (3):

PreventionGenetics, part of Exact Sciences
Classification: Likely benign for COL6A2-related condition. Last evaluated: 2025-01-03. Review status: criteria provided, single submitter. Criteria: ACMG Guidelines, 2015. Collection method: clinical testing. Allele origin: germline.
Comment: This variant is classified as likely benign based on ACMG/AMP sequence variant interpretation guidelines (Richards et al. 2015 PMID: 25741868, with internal and published modifications).

Labcorp Genetics (formerly Invitae), Labcorp
Classification: Likely benign for Bethlem myopathy 1A. Last evaluated: 2024-10-23. Review status: criteria provided, single submitter. Criteria: Invitae Variant Classification Sherloc (09022015). Collection method: clinical testing. Allele origin: germline.

GeneDx
Classification: Likely benign. Last evaluated: 2016-05-05. Review status: criteria provided, single submitter. Criteria: GeneDx Variant Classification (06012015). Collection method: clinical testing. Allele origin: germline. Affected: yes.
Comment: This variant is considered likely benign or benign based on one or more of the following criteria: it is a conservative change, it occurs at a poorly conserved position in the protein, it is predicted to be benign by multiple in silico algorithms, and/or has population frequency not consistent with disease.

NM_001849.4(COL6A2):c.2754C>T (p.Gly918=)

Gene: COL6A2 (collagen type VI alpha 2 chain; plus strand). Cytogenetic location: 21q22.3.
Variant type: single nucleotide variant.
Coding change: c.2754C>T on transcript NM_001849.4 (MANE Select); coding-DNA position 2754, C replaced by T.
Protein change: p.Gly918=; no amino-acid change (glycine 918 retained).
Molecular consequence: synonymous variant.
Genome position (GRCh38, 1-based): chr21:46,132,246, C>T. VCF-style: chr21-46132246-C-T. GRCh37 (hg19) VCF-style: chr21-47552160-C-T.
Identifiers: ClinVar variation 385489 (VCV000385489.10), dbSNP rs765055618, ClinGen allele CA10073007.